The following is an entry in ClinVar:

NM_000465.4(BARD1):c.2006C>G (p.Pro669Arg)

Gene: BARD1 (BRCA1 associated RING domain 1; minus strand). Cytogenetic location: 2q35.
Variant type: single nucleotide variant.
Coding change: c.2006C>G on transcript NM_000465.4 (MANE Select); coding-DNA position 2006, C replaced by G.
Protein change: p.Pro669Arg; replaces proline 669 with arginine.
Molecular consequence: missense variant. On other transcripts: non-coding transcript variant (3).
Genome position (GRCh38, 1-based): chr2:214,729,004, G>C on the plus strand (C>G on the coding strand, the complement: BARD1 is on the minus strand). VCF-style: chr2-214729004-G-C. GRCh37 (hg19) VCF-style: chr2-215593728-G-C.
Other names: c.1949C>G, p.Pro650Arg (NM_001282543.2); c.653C>G, p.Pro218Arg (NM_001282545.2); c.596C>G, p.Pro199Arg (NM_001282548.2); c.467C>G, p.Pro156Arg (NM_001282549.2); short protein forms P156R, P199R, P218R, P650R, P669R.
Identifiers: ClinVar variation 2632253 (VCV002632253.3), dbSNP rs2105988052, ClinGen allele CA350450820.

ClinVar aggregate classification (germline): Uncertain significance. Review status: criteria provided, multiple submitters, no conflicts (2 of 4 stars). 2 submissions from 2 submitters: Uncertain significance (2). Last evaluated 2023-09-18.

Conditions:
Hereditary cancer-predisposing syndrome. Also called: Tumor predisposition; Neoplastic Syndromes, Hereditary; Hereditary neoplastic syndrome; Hereditary Cancer Syndrome. Identifiers: Orphanet 140162, MedGen C0027672, MeSH D009386, MONDO:0015356.
BARD1-related disorder. Also called: BARD1-related condition.

Submissions (2):

Color Diagnostics, LLC DBA Color Health
Classification: Uncertain significance for Hereditary cancer-predisposing syndrome. Last evaluated: 2023-09-18. Review status: criteria provided, single submitter. Criteria: ACMG Guidelines, 2015. Collection method: clinical testing. Allele origin: germline.
Comment: This missense variant replaces proline with arginine at codon 669 of the BARD1 protein. Computational prediction suggests that this variant may have deleterious impact on protein structure and function (internally defined REVEL score threshold >= 0.7, PMID: 27666373). To our knowledge, functional studies have not been reported for this variant. This variant has not been reported in individuals affected with BARD1-related disorders in the literature. This variant has not been identified in the general population by the Genome Aggregation Database (gnomAD). The available evidence is insufficient to determine the role of this variant in disease conclusively. Therefore, this variant is classified as a Variant of Uncertain Significance.

PreventionGenetics, part of Exact Sciences
Classification: Uncertain significance for BARD1-related condition. Last evaluated: 2023-05-17. Review status: criteria provided, single submitter. Criteria: ACMG Guidelines, 2015. Collection method: clinical testing. Allele origin: germline.
Comment: The BARD1 c.2006C>G variant is predicted to result in the amino acid substitution p.Pro669Arg. To our knowledge, this variant has not been reported in the literature or in a large population database, indicating this variant is rare. At this time, the clinical significance of this variant is uncertain due to the absence of conclusive functional and genetic evidence.